The following is an entry in ClinVar:

NM_000465.4(BARD1):c.1569-2A>C

Gene: BARD1 (BRCA1 associated RING domain 1; minus strand). Cytogenetic location: 2q35.
Variant type: single nucleotide variant.
Coding change: c.1569-2A>C on transcript NM_000465.4 (MANE Select); the canonical splice acceptor site of the intron before coding-DNA position 1569, A replaced by C.
Molecular consequence: splice acceptor variant. On other transcripts: intron variant (1).
Genome position (GRCh38, 1-based): chr2:214,752,557, T>G on the plus strand (A>C on the coding strand, the complement: BARD1 is on the minus strand). VCF-style: chr2-214752557-T-G. GRCh37 (hg19) VCF-style: chr2-215617281-T-G.
Other names: c.159-2A>C (NM_001282548.2); c.1512-2A>C (NM_001282543.2); c.216-2A>C (NM_001282545.2); c.365-22049A>C (NM_001282549.2).
Identifiers: ClinVar variation 1476860 (VCV001476860.9), dbSNP rs1693509336, ClinGen allele CA350455081.

ClinVar aggregate classification (germline): Likely pathogenic (1 of 4 stars; one submission).

Conditions:
Familial cancer of breast. Also called: hereditary breast carcinoma; BREAST CANCER, FAMILIAL; Hereditary breast cancer. Identifiers: Orphanet 227535, MedGen C0346153, MONDO:0016419, OMIM 114480. Disease mechanism: loss of function.

Submission:

Labcorp Genetics (formerly Invitae), Labcorp
Classification: Likely pathogenic for Familial cancer of breast. Last evaluated: 2021-03-19. Review status: criteria provided, single submitter. Criteria: Invitae Variant Classification Sherloc (09022015). Collection method: clinical testing. Allele origin: germline.
Comment: This sequence change affects an acceptor splice site in intron 6 of the BARD1 gene. It is expected to disrupt RNA splicing. Variants that disrupt the donor or acceptor splice site typically lead to a loss of protein function (PMID: 16199547), and loss-of-function variants in BARD1 are known to be pathogenic (PMID: 20077502, 21344236). This variant is not present in population databases (ExAC no frequency). This variant has not been reported in the literature in individuals with BARD1-related conditions. Algorithms developed to predict the effect of sequence changes on RNA splicing suggest that this variant may disrupt the consensus splice site, but this prediction has not been confirmed by published transcriptional studies. In summary, the currently available evidence indicates that the variant is pathogenic, but additional data are needed to prove that conclusively. Therefore, this variant has been classified as Likely Pathogenic.

Literature cited by the submitters: PubMed 16199547; PubMed 20077502; PubMed 21344236.